The following is an entry in ClinVar:

NM_001111125.3(IQSEC2):c.3864C>G (p.Pro1288=)

Gene: IQSEC2 (IQ motif and Sec7 domain ArfGEF 2; minus strand). Cytogenetic location: Xp11.22.
Variant type: single nucleotide variant.
Coding change: c.3864C>G on transcript NM_001111125.3 (MANE Select); coding-DNA position 3864, C replaced by G.
Protein change: p.Pro1288=; no amino-acid change (proline 1288 retained).
Molecular consequence: synonymous variant. On other transcripts: 3 prime UTR variant (2).
Genome position (GRCh38, 1-based): chrX:53,234,822, G>C on the plus strand (C>G on the coding strand, the complement: IQSEC2 is on the minus strand). VCF-style: chrX-53234822-G-C. GRCh37 (hg19) VCF-style: chrX-53264004-G-C.
Other names: c.3864C>G (NM_001111125.2); c.*349C>G (NM_001410736.1, NM_015075.2).
Identifiers: ClinVar variation 2085231 (VCV002085231.6), dbSNP rs781921190, ClinGen allele CA10419774.

ClinVar aggregate classification (germline): Benign/Likely benign. Review status: criteria provided, multiple submitters, no conflicts (2 of 4 stars). 3 submissions from 3 submitters: Benign (1); Likely benign (2). Last evaluated 2024-11-13.

Conditions:
Intellectual developmental disorder, X-linked 1. Also called: Atkin Flaitz Patil Smith syndrome; Intellectual disability, X-linked 1; MENTAL RETARDATION, X-LINKED 18; MENTAL RETARDATION, X-LINKED 78. Identifiers: Orphanet 777, MedGen C2931498, MONDO:0010656, OMIM 309530.
IQSEC2-related disorder. Also called: IQSEC2-related condition.

Allele frequency attached by ClinVar (database versions not stated): gnomAD 0.00005; gnomAD exomes 0.00006; 1000 Genomes Project 0.00106; ExAC 0.00162; 1000 Genomes Project 30x 0.00166.
gnomAD v4.1: 66 of 1,119,507 alleles (0.0059%); highest among the groups gnomAD compares: South Asian, 0.14%; no homozygotes.

Submissions (3):

PreventionGenetics, part of Exact Sciences
Classification: Likely benign for IQSEC2-related condition. Last evaluated: 2024-11-13. Review status: criteria provided, single submitter. Criteria: ACMG Guidelines, 2015. Collection method: clinical testing. Allele origin: germline.
Comment: This variant is classified as likely benign based on ACMG/AMP sequence variant interpretation guidelines (Richards et al. 2015 PMID: 25741868, with internal and published modifications).

Blueprint Genetics
Classification: Likely benign. Last evaluated: 2024-10-24. Review status: criteria provided, single submitter. Criteria: ACMG Guidelines, 2015. Collection method: clinical testing. Allele origin: germline.

Labcorp Genetics (formerly Invitae), Labcorp
Classification: Benign for Intellectual developmental disorder, X-linked 1. Last evaluated: 2023-10-29. Review status: criteria provided, single submitter. Criteria: Invitae Variant Classification Sherloc (09022015). Collection method: clinical testing. Allele origin: germline.